The following is an entry in ClinVar:

ClinVar aggregate classification (germline): Uncertain significance (1 of 4 stars; one submission).

Allele frequency attached by ClinVar (database versions not stated): gnomAD exomes below 0.00001 and 0.00001; gnomAD 0.00001; TOPMed 0.00001; ExAC 0.00002.
gnomAD v4.1: 3 of 1,614,104 alleles (0.00019%); highest among the groups gnomAD compares: East Asian, 0.0067%; no homozygotes.

Submission:

Labcorp Genetics (formerly Invitae), Labcorp
Classification: Uncertain significance. Last evaluated: 2025-04-30. Review status: criteria provided, single submitter. Criteria: Invitae Variant Classification Sherloc (09022015). Collection method: clinical testing. Allele origin: germline.
Comment: This sequence change replaces alanine, which is neutral and non-polar, with threonine, which is neutral and polar, at codon 1423 of the SON protein (p.Ala1423Thr). This variant is present in population databases (rs773604050, gnomAD 0.01%). This variant has not been reported in the literature in individuals affected with SON-related conditions. ClinVar contains an entry for this variant (Variation ID: 1360408). An algorithm developed to predict the effect of missense changes on protein structure and function (PolyPhen-2) suggests that this variant is likely to be tolerated. In summary, the available evidence is currently insufficient to determine the role of this variant in disease. Therefore, it has been classified as a Variant of Uncertain Significance.

NM_138927.4(SON):c.4267G>A (p.Ala1423Thr)

Gene: SON (SON DNA and RNA binding protein; plus strand). Cytogenetic location: 21q22.11.
Variant type: single nucleotide variant.
Coding change: c.4267G>A on transcript NM_138927.4 (MANE Select); coding-DNA position 4267, G replaced by A.
Protein change: p.Ala1423Thr; replaces alanine 1423 with threonine.
Molecular consequence: missense variant. On other transcripts: non-coding transcript variant (1), intron variant (1).
Genome position (GRCh38, 1-based): chr21:33,553,498, G>A. VCF-style: chr21-33553498-G-A. GRCh37 (hg19) VCF-style: chr21-34925804-G-A.
Other names: c.4267G>A, p.Ala1423Thr (NM_001291411.2, NM_032195.3); c.245-3658G>A (NM_001291412.3); short protein forms A1423T.
Identifiers: ClinVar variation 1360408 (VCV001360408.6), dbSNP rs773604050, ClinGen allele CA10009497.
Genomic context (GRCh38, chr21:33,553,498, plus strand): 5'-GTTACCATTCCTGTGCCAGTTGTTTCTGCGCTGGAGCCTTCTGTGCCTGTTCTGGAACCA[G>A]CGGTGTCAGTCCTTCAACCTTCTATGATTGTTTCAGAACCATCTGTTTCTGTCCAGGAAT-3'
Protein context (NP_620305.3, residues 1413-1433): LEPSVPVLEP[Ala1423Thr]VSVLQPSMIV